The following is an entry in ClinVar:

ClinVar aggregate classification (germline): Uncertain significance (1 of 4 stars; one submission).

Conditions:
FHOD3-related disorder. Also called: FHOD3-related condition.

gnomAD v4.1: 15 of 1,603,686 alleles (0.00094%); highest among the groups gnomAD compares: African/African-American, 0.015%; no homozygotes.

Submission:

PreventionGenetics, part of Exact Sciences
Classification: Uncertain significance for FHOD3-related condition. Last evaluated: 2026-09-01. Review status: criteria provided, single submitter. Criteria: ACMG Guidelines, 2015. Collection method: clinical testing. Allele origin: germline.
Comment: The FHOD3 c.2021+5G>A variant is predicted to interfere with splicing. To our knowledge, this variant has not been reported in the literature. This variant is reported in 0.024% of alleles in individuals of African descent in gnomAD, which may be too frequent to be a primary cause of disease. Although we suspect that this variant may be benign, at this time, the clinical significance of this variant is uncertain due to the absence of conclusive functional and genetic evidence.

NM_001281740.3(FHOD3):c.2021+5G>A

Gene: FHOD3 (formin homology 2 domain containing 3; plus strand). Cytogenetic location: 18q12.2.
Variant type: single nucleotide variant.
Coding change: c.2021+5G>A on transcript NM_001281740.3 (MANE Select); 5 bases into the intron after coding-DNA position 2021, G replaced by A.
Molecular consequence: intron variant.
Genome position (GRCh38, 1-based): chr18:36,687,183, G>A. VCF-style: chr18-36687183-G-A. GRCh37 (hg19) VCF-style: chr18-34267146-G-A.
Other names: c.1496+5G>A (NM_025135.5); c.1445+5613G>A (NM_001281739.3).
Identifiers: ClinVar variation 4986201 (VCV004986201.1).